The following is an entry in ClinVar:

ClinVar aggregate classification (germline): Uncertain significance (1 of 4 stars; one submission).

Submission:

GeneDx
Classification: Uncertain significance. Last evaluated: 2024-01-12. Review status: criteria provided, single submitter. Criteria: GeneDx Variant Classification Process June 2021. Collection method: clinical testing. Allele origin: germline. Affected: yes.
Comment: Not observed at significant frequency in large population cohorts (gnomAD); In silico analysis supports that this missense variant has a deleterious effect on protein structure/function; Has not been previously published as pathogenic or benign to our knowledge

NM_001395159.1(UNC79):c.6553G>C (p.Ala2185Pro)

Gene: UNC79 (unc-79 homolog, NALCN channel complex subunit; plus strand). Cytogenetic location: 14q32.12.
Variant type: single nucleotide variant.
Coding change: c.6553G>C on transcript NM_001395159.1 (MANE Select); coding-DNA position 6553, G replaced by C.
Protein change: p.Ala2185Pro; replaces alanine 2185 with proline.
Molecular consequence: missense variant.
Genome position (GRCh38, 1-based): chr14:93,653,963, G>C. VCF-style: chr14-93653963-G-C. GRCh37 (hg19) VCF-style: chr14-94120309-G-C.
Other names: c.6487G>C, p.Ala2163Pro (NM_001346218.2); c.5806G>C, p.Ala1936Pro (NM_020818.5); short protein forms A1936P, A2163P, A2185P.
Identifiers: ClinVar variation 3370259 (VCV003370259.1).